The following is an entry in ClinVar:

ClinVar aggregate classification (germline): Uncertain significance (1 of 4 stars; one submission).

Conditions:
Severe myoclonic epilepsy in infancy (DRVT). Also called: DEVELOPMENTAL AND EPILEPTIC ENCEPHALOPATHY 6A; Severe Myoclonic Epilepsy in Infancy (SMEI); Dravet syndrome; Epileptic encephalopathy, early infantile, 6 (Dravet syndrome); SEVERE MYOCLONIC EPILEPSY OF INFANCY. Identifiers: Orphanet 33069, MedGen C0751122, MONDO:0100135, OMIM 607208.

Submission:

Labcorp Genetics (formerly Invitae), Labcorp
Classification: Uncertain significance for Severe myoclonic epilepsy in infancy. Last evaluated: 2020-01-29. Review status: criteria provided, single submitter. Criteria: Invitae Variant Classification Sherloc (09022015). Collection method: clinical testing. Allele origin: germline.
Comment: In summary, the available evidence is currently insufficient to determine the role of this variant in disease. Therefore, it has been classified as a Variant of Uncertain Significance. Algorithms developed to predict the effect of missense changes on protein structure and function are either unavailable or do not agree on the potential impact of this missense change (SIFT: "Deleterious"; PolyPhen-2: "Possibly Damaging"; Align-GVGD: "Class C15"). This variant has not been reported in the literature in individuals with SNX27-related conditions. This variant is not present in population databases (ExAC no frequency). This sequence change replaces serine with phenylalanine at codon 327 of the SNX27 protein (p.Ser327Phe). The serine residue is moderately conserved and there is a large physicochemical difference between serine and phenylalanine.

NM_001330723.2(SNX27):c.980C>T (p.Ser327Phe)

Gene: SNX27 (sorting nexin 27; plus strand). Cytogenetic location: 1q21.3.
Variant type: single nucleotide variant.
Coding change: c.980C>T on transcript NM_001330723.2 (MANE Select); coding-DNA position 980, C replaced by T.
Protein change: p.Ser327Phe; replaces serine 327 with phenylalanine.
Molecular consequence: missense variant.
Genome position (GRCh38, 1-based): chr1:151,666,006, C>T. VCF-style: chr1-151666006-C-T. GRCh37 (hg19) VCF-style: chr1-151638482-C-T.
Other names: c.980C>T, p.Ser327Phe (NM_030918.6); short protein forms S327F.
Identifiers: ClinVar variation 962210 (VCV000962210.10), dbSNP rs1571844623, ClinGen allele CA341964640.
Genomic context (GRCh38, chr1:151,666,006, plus strand): 5'-AGGTTGGCATGGACAGTACGACAGTGAATTACTTTGCCTTATTTGAAGTGATCAGTCACT[C>T]CTTTGGTAAGTACCAGTGGCTGATACTAAGTTTTGTTTTCTAATACTATGAGAAAGAAAC-3'
Protein context (NP_001317652.1, residues 317-337): YFALFEVISH[Ser327Phe]FVRKLAPNEF